The following is an entry in ClinVar:

NM_001130144.3(LTBP3):c.1411A>C (p.Thr471Pro)

Gene: LTBP3 (latent transforming growth factor beta binding protein 3; minus strand). Cytogenetic location: 11q13.1.
Variant type: single nucleotide variant.
Coding change: c.1411A>C on transcript NM_001130144.3 (MANE Select); coding-DNA position 1411, A replaced by C.
Protein change: p.Thr471Pro; replaces threonine 471 with proline.
Molecular consequence: missense variant.
Genome position (GRCh38, 1-based): chr11:65,552,092, T>G on the plus strand (A>C on the coding strand, the complement: LTBP3 is on the minus strand). VCF-style: chr11-65552092-T-G. GRCh37 (hg19) VCF-style: chr11-65319563-T-G.
Other names: c.1060A>C, p.Thr354Pro (NM_001164266.1); c.1411A>C, p.Thr471Pro (NM_021070.4); short protein forms T354P, T471P.
Identifiers: ClinVar variation 1772037 (VCV001772037.2), dbSNP rs2496169204, ClinGen allele CA381273433.

ClinVar aggregate classification (germline): Uncertain significance (1 of 4 stars; one submission).

Conditions:
Inborn genetic diseases. Identifiers: MedGen C0950123, MeSH D030342.

Submission:

Ambry Genetics
Classification: Uncertain significance for Inborn genetic diseases. Last evaluated: 2022-06-14. Review status: criteria provided, single submitter. Criteria: Ambry Variant Classification Scheme 2023. Collection method: clinical testing. Allele origin: germline.
Comment: The p.T471P variant (also known as c.1411A>C), located in coding exon 8 of the LTBP3 gene, results from an A to C substitution at nucleotide position 1411. The threonine at codon 471 is replaced by proline, an amino acid with highly similar properties. This amino acid position is conserved. In addition, the in silico prediction for this alteration is inconclusive. Since supporting evidence is limited at this time, the clinical significance of this alteration remains unclear.